The following is an entry in ClinVar:

ClinVar aggregate classification (germline): Pathogenic. Review status: criteria provided, multiple submitters, no conflicts (2 of 4 stars). 2 submissions from 2 submitters: Pathogenic (2). Last evaluated 2021-02-26.

Conditions:
Developmental and epileptic encephalopathy. Identifiers: MedGen C5779964, MONDO:0100620.

Submissions (2):

Labcorp Genetics (formerly Invitae), Labcorp
Classification: Pathogenic for Early-infantile DEE. Last evaluated: 2021-02-26. Review status: criteria provided, single submitter. Criteria: Invitae Variant Classification Sherloc (09022015). Collection method: clinical testing. Allele origin: germline.
Comment: This sequence change creates a premature translational stop signal (p.Glu725*) in the SCN1A gene. It is expected to result in an absent or disrupted protein product. Loss-of-function variants in SCN1A are known to be pathogenic (PMID: 17347258, 18930999). This variant is not present in population databases (ExAC no frequency). This variant has not been reported in the literature in individuals with SCN1A-related conditions. For these reasons, this variant has been classified as Pathogenic.

Athena Diagnostics
Classification: Pathogenic. Last evaluated: 2020-06-17. Review status: criteria provided, single submitter. Criteria: Athena Diagnostics Criteria. Collection method: clinical testing. Allele origin: unknown.
Comment: The variant creates a premature nonsense codon, and is therefore predicted to result in the loss of a functional protein. Found in at least one patient with expected phenotype for this gene, and not found in general population data.

Literature cited by the submitters: PubMed 17347258 (cited by Labcorp Genetics (formerly Invitae), Labcorp); PubMed 18930999 (cited by Labcorp Genetics (formerly Invitae), Labcorp).

NM_001165963.4(SCN1A):c.2173G>T (p.Glu725Ter)

Gene: SCN1A (sodium voltage-gated channel alpha subunit 1; minus strand). Cytogenetic location: 2q24.3.
Variant type: single nucleotide variant.
Coding change: c.2173G>T on transcript NM_001165963.4 (MANE Select); coding-DNA position 2173, G replaced by T.
Protein change: p.Glu725Ter; replaces glutamic acid 725 with a stop codon.
Molecular consequence: nonsense. On other transcripts: 5 prime UTR variant (1), non-coding transcript variant (1).
Genome position (GRCh38, 1-based): chr2:166,042,295, C>A on the plus strand (G>T on the coding strand, the complement: SCN1A is on the minus strand). VCF-style: chr2-166042295-C-A. GRCh37 (hg19) VCF-style: chr2-166898805-C-A.
Other names: c.2089G>T, p.Glu697Ter (NM_001165964.3, NM_001353957.2, NM_001353958.2); c.2173G>T, p.Glu725Ter (NM_001202435.3, NM_001353948.2); c.2140G>T, p.Glu714Ter (NM_001353949.2, NM_001353950.2, NM_001353951.2 and 2 more transcripts); c.2137G>T, p.Glu713Ter (NM_001353954.2, NM_001353955.2); c.2086G>T, p.Glu696Ter (NM_001353960.2); c.-286G>T (NM_001353961.2); short protein forms E696*, E697*, E713*, E714*, E725*.
Identifiers: ClinVar variation 994747 (VCV000994747.3), dbSNP rs1553543828, ClinGen allele CA349065547.